The following is an entry in ClinVar:

ClinVar aggregate classification (germline): Uncertain significance. Review status: criteria provided, multiple submitters, no conflicts (2 of 4 stars). 3 submissions from 3 submitters: Uncertain significance (3). Last evaluated 2024-05-28.

Conditions:
Hereditary cancer-predisposing syndrome. Also called: Neoplastic Syndromes, Hereditary; Tumor predisposition; Hereditary neoplastic syndrome; Hereditary Cancer Syndrome. Identifiers: Orphanet 140162, MedGen C0027672, MeSH D009386, MONDO:0015356.
Breast-ovarian cancer, familial, susceptibility to, 4. Identifiers: Orphanet 145, MedGen C3280345, MONDO:0013669, OMIM 614291.

Allele frequency attached by ClinVar (database versions not stated): TOPMed below 0.00001.

Submissions (3):

Ambry Genetics
Classification: Uncertain significance for Hereditary cancer-predisposing syndrome. Last evaluated: 2024-05-28. Review status: criteria provided, single submitter. Criteria: Ambry Variant Classification Scheme 2023. Collection method: clinical testing. Allele origin: germline.
Comment: The p.L226F variant (also known as c.678G>C), located in coding exon 8 of the RAD51D gene, results from a G to C substitution at nucleotide position 678. The leucine at codon 226 is replaced by phenylalanine, an amino acid with highly similar properties. This variant was identified in a cohort of 3,579 African males diagnosed with prostate cancer who underwent multi-gene panel testing of 19 DNA repair and cancer predisposition genes (Matejcic M et al. JCO Precis Oncol, 2020 Jan;4:32-43). This amino acid position is highly conserved in available vertebrate species. In addition, this alteration is predicted to be tolerated by in silico analysis. Based on the available evidence, the clinical significance of this variant remains unclear.

Labcorp Genetics (formerly Invitae), Labcorp
Classification: Uncertain significance for Breast-ovarian cancer, familial, susceptibility to, 4. Last evaluated: 2023-11-11. Review status: criteria provided, single submitter. Criteria: Invitae Variant Classification Sherloc (09022015). Collection method: clinical testing. Allele origin: germline.
Comment: This sequence change replaces leucine, which is neutral and non-polar, with phenylalanine, which is neutral and non-polar, at codon 226 of the RAD51D protein (p.Leu226Phe). This variant is not present in population databases (gnomAD no frequency). This variant has not been reported in the literature in individuals affected with RAD51D-related conditions. Advanced modeling of protein sequence and biophysical properties (such as structural, functional, and spatial information, amino acid conservation, physicochemical variation, residue mobility, and thermodynamic stability) performed at Invitae indicates that this missense variant is not expected to disrupt RAD51D protein function with a negative predictive value of 80%. In summary, the available evidence is currently insufficient to determine the role of this variant in disease. Therefore, it has been classified as a Variant of Uncertain Significance.

GeneDx
Classification: Uncertain significance. Last evaluated: 2023-07-31. Review status: criteria provided, single submitter. Criteria: GeneDx Variant Classification Process June 2021. Collection method: clinical testing. Allele origin: germline. Affected: yes.
Comment: Not observed at significant frequency in large population cohorts (gnomAD); In silico analysis supports that this missense variant has a deleterious effect on protein structure/function; Has not been previously published as pathogenic or benign to our knowledge; This variant is associated with the following publications: (PMID: 21111057, 14704354)

Literature cited by the submitters: PubMed 32832836 (cited by Ambry Genetics).

NM_002878.4(RAD51D):c.678G>C (p.Leu226Phe)

Genes: RAD51L3-RFFL (RAD51L3-RFFL readthrough; minus strand), RAD51D (RAD51 paralog D; minus strand). Cytogenetic location: 17q12.
Variant type: single nucleotide variant.
Coding change: c.678G>C on transcript NM_002878.4 (MANE Select); coding-DNA position 678, G replaced by C.
Protein change: p.Leu226Phe; replaces leucine 226 with phenylalanine.
Molecular consequence: missense variant. On other transcripts: non-coding transcript variant (3).
Genome position (GRCh38, 1-based): chr17:35,103,314, C>G on the plus strand (G>C on the coding strand, the complement: RAD51D is on the minus strand). VCF-style: chr17-35103314-C-G. GRCh37 (hg19) VCF-style: chr17-33430333-C-G.
Other names: c.738G>C, p.Leu246Phe (NM_001142571.2); c.342G>C, p.Leu114Phe (NM_133629.3); short protein forms L246F, L114F, L226F.
Identifiers: ClinVar variation 3018128 (VCV003018128.5), dbSNP rs927883139, ClinGen allele CA289994181.